The following is an entry in ClinVar:

ClinVar aggregate classification (germline): Uncertain significance. Review status: criteria provided, multiple submitters, no conflicts (2 of 4 stars). 2 submissions from 2 submitters: Uncertain significance (2). Last evaluated 2024-02-17.

Conditions:
KATNIP-related disorder. Also called: KATNIP-related condition.

Allele frequency attached by ClinVar (database versions not stated): TOPMed 0.00003; ExAC 0.00004; gnomAD 0.00006; ESP Exome Variant Server 0.00008.
gnomAD v4.1: 99 of 1,614,040 alleles (0.0061%); highest among the groups gnomAD compares: East Asian, 0.0089%; no homozygotes.

Submissions (2):

Ambry Genetics
Classification: Uncertain significance. Last evaluated: 2024-02-17. Review status: criteria provided, single submitter. Criteria: Ambry Variant Classification Scheme 2023. Collection method: clinical testing. Allele origin: germline.

PreventionGenetics, part of Exact Sciences
Classification: Uncertain significance for KATNIP-related condition. Last evaluated: 2023-06-16. Review status: criteria provided, single submitter. Criteria: ACMG Guidelines, 2015. Collection method: clinical testing. Allele origin: germline.
Comment: The KATNIP c.2444G>A variant is predicted to result in the amino acid substitution p.Gly815Glu. To our knowledge, this variant has not been reported in the literature. This variant is reported in 0.012% of alleles in individuals of European (Non-Finnish) descent in gnomAD. At this time, the clinical significance of this variant is uncertain due to the absence of conclusive functional and genetic evidence.

NM_015202.5(KATNIP):c.2444G>A (p.Gly815Glu)

Gene: KATNIP (katanin interacting protein; plus strand). Cytogenetic location: 16p12.1.
Variant type: single nucleotide variant.
Coding change: c.2444G>A on transcript NM_015202.5 (MANE Select); coding-DNA position 2444, G replaced by A.
Protein change: p.Gly815Glu; replaces glycine 815 with glutamic acid.
Molecular consequence: missense variant.
Genome position (GRCh38, 1-based): chr16:27,740,741, G>A. VCF-style: chr16-27740741-G-A. GRCh37 (hg19) VCF-style: chr16-27752062-G-A.
Other names: c.2444G>A (NM_015202.2); short protein forms G815E.
Identifiers: ClinVar variation 2636924 (VCV002636924.2), dbSNP rs370738639, ClinGen allele CA7977968.